The following is an entry in ClinVar:

ClinVar aggregate classification (germline): Likely benign. Review status: criteria provided, single submitter (1 of 4 stars). 2 submissions from 2 submitters: Likely benign (1). 1 of the submissions does not count toward it. Last evaluated 2025-06-23.

Conditions:
COL4A3-related disorder. Also called: COL4A3-related condition; COL4A3-Related Disorders.

Submissions (2):

Labcorp Genetics (formerly Invitae), Labcorp
Classification: Likely benign. Last evaluated: 2025-06-23. Review status: criteria provided, single submitter. Criteria: Invitae Variant Classification Sherloc (09022015). Collection method: clinical testing. Allele origin: germline.

PreventionGenetics, part of Exact Sciences
Classification: Likely benign for COL4A3-related condition. Last evaluated: 2023-07-19. Review status: no assertion criteria provided. Collection method: clinical testing. Allele origin: germline. Not counted in ClinVar's aggregate classification.
Comment: This variant is classified as likely benign based on ACMG/AMP sequence variant interpretation guidelines (Richards et al. 2015 PMID: 25741868, with internal and published modifications).

NM_000091.5(COL4A3):c.3566-7T>C

Genes: COL4A3 (collagen type IV alpha 3 chain; plus strand), MFF-DT (MFF divergent transcript; minus strand). Cytogenetic location: 2q36.3.
Variant type: single nucleotide variant.
Coding change: c.3566-7T>C on transcript NM_000091.5 (MANE Select); 7 bases into the intron before coding-DNA position 3566, T replaced by C.
Molecular consequence: intron variant.
Genome position (GRCh38, 1-based): chr2:227,297,667, T>C. VCF-style: chr2-227297667-T-C. GRCh37 (hg19) VCF-style: chr2-228162383-T-C.
Identifiers: ClinVar variation 3054997 (VCV003054997.3), dbSNP rs2469879298, ClinGen allele CA2740096491.